The following is an entry in ClinVar:

NM_007137.5(ZNF81):c.350G>T (p.Gly117Val)

Gene: ZNF81 (zinc finger protein 81; plus strand). Cytogenetic location: Xp11.23.
Variant type: single nucleotide variant.
Coding change: c.350G>T on transcript NM_007137.5 (MANE Select); coding-DNA position 350, G replaced by T.
Protein change: p.Gly117Val; replaces glycine 117 with valine.
Molecular consequence: missense variant. On other transcripts: intron variant (2).
Genome position (GRCh38, 1-based): chrX:47,914,996, G>T. VCF-style: chrX-47914996-G-T. GRCh37 (hg19) VCF-style: chrX-47774395-G-T.
Other names: c.350G>T, p.Gly117Val (NM_001378152.1, NM_001378153.1); c.278-8928G>T (NM_001378154.1); c.278-6312G>T (NM_001378155.1); short protein forms G117V.
Identifiers: ClinVar variation 130855 (VCV000130855.11), dbSNP rs17147793, ClinGen allele CA156172.

ClinVar aggregate classification (germline): Benign. Review status: criteria provided, multiple submitters, no conflicts (2 of 4 stars). 3 submissions from 3 submitters: Benign (2). 1 of the submissions does not count toward it. Last evaluated 2016-05-06.

Allele frequency attached by ClinVar (database versions not stated): gnomAD 0.01114 and 0.01180; 1000 Genomes Project 0.01139; TOPMed 0.01308; ESP Exome Variant Server 0.01311; 1000 Genomes Project 30x 0.01353.
gnomAD v4.1: 2,591 of 1,204,611 alleles (0.22%); highest among the groups gnomAD compares: African/African-American, 4.1%; 36 homozygotes.

Submissions (3):

Ambry Genetics
Classification: Benign. Last evaluated: 2016-05-06. Review status: criteria provided, single submitter. Criteria: Ambry Variant Classification Scheme 2023. Collection method: clinical testing. Allele origin: germline.

Breakthrough Genomics
Classification: Benign. Review status: criteria provided, single submitter. Criteria: ACMG Guidelines, 2015. Collection method: not provided. Allele origin: germline. Inheritance: Unknown mechanism. Affected: yes.

Genetic Services Laboratory, University of Chicago
Classification: Likely benign for AllHighlyPenetrant. Review status: no assertion criteria provided. Collection method: clinical testing. Allele origin: germline. Inheritance: X-linked inheritance. Not counted in ClinVar's aggregate classification.
Comment: Likely benign based on allele frequency in 1000 Genomes Project or ESP global frequency and its presence in a patient with a rare or unrelated disease phenotype. NOT Sanger confirmed.